The following is an entry in ClinVar:

ClinVar aggregate classification (germline): Uncertain significance (1 of 4 stars; one submission).

Allele frequency attached by ClinVar (database versions not stated): TOPMed below 0.00001.
gnomAD v4.1: 1 of 1,614,036 alleles (0.000062%); highest among the groups gnomAD compares: Non-Finnish European, 0.000085%; no homozygotes.

Submission:

Labcorp Genetics (formerly Invitae), Labcorp
Classification: Uncertain significance. Last evaluated: 2022-07-04. Review status: criteria provided, single submitter. Criteria: Invitae Variant Classification Sherloc (09022015). Collection method: clinical testing. Allele origin: germline.
Comment: In summary, the available evidence is currently insufficient to determine the role of this variant in disease. Therefore, it has been classified as a Variant of Uncertain Significance. Advanced modeling of protein sequence and biophysical properties (such as structural, functional, and spatial information, amino acid conservation, physicochemical variation, residue mobility, and thermodynamic stability) performed at Invitae indicates that this missense variant is expected to disrupt ACO2 protein function. This variant has not been reported in the literature in individuals affected with ACO2-related conditions. This variant is not present in population databases (gnomAD no frequency). This sequence change replaces proline, which is neutral and non-polar, with arginine, which is basic and polar, at codon 560 of the ACO2 protein (p.Pro560Arg).

NM_001098.3(ACO2):c.1679C>G (p.Pro560Arg)

Genes: ACO2 (aconitase 2; plus strand), LOC130067544 (ATAC-STARR-seq lymphoblastoid active region 19118; plus strand). Cytogenetic location: 22q13.2.
Variant type: single nucleotide variant.
Coding change: c.1679C>G on transcript NM_001098.3 (MANE Select); coding-DNA position 1679, C replaced by G.
Protein change: p.Pro560Arg; replaces proline 560 with arginine.
Molecular consequence: missense variant.
Genome position (GRCh38, 1-based): chr22:41,525,266, C>G. VCF-style: chr22-41525266-C-G. GRCh37 (hg19) VCF-style: chr22-41921270-C-G.
Other names: short protein forms P560R.
Identifiers: ClinVar variation 1973323 (VCV001973323.5), dbSNP rs2066571154, ClinGen allele CA411727709.